The following is an entry in ClinVar:

ClinVar aggregate classification (germline): Conflicting classifications of pathogenicity. Review status: criteria provided, conflicting classifications (1 of 4 stars). 4 submissions from 4 submitters: Likely pathogenic (1); Uncertain significance (2). 1 of the submissions does not count toward it. Last evaluated 2022-02-03.

Conditions:
GNE myopathy (NM). Also called: IBM 2; Inclusion body myopathy autosomal recessive; Inclusion body myopathy quadriceps sparing; NONAKA DISTAL MYOPATHY; INCLUSION BODY MYOPATHY 2, AUTOSOMAL RECESSIVE; MYOPATHY, DISTAL, WITH OR WITHOUT RIMMED VACUOLES. Identifiers: Orphanet 602, MedGen C1853926, MONDO:0011603, OMIM 605820.
Sialuria. Also called: SIALURIA, FRENCH TYPE; Sialic Acid Storage Disease. Identifiers: Orphanet 3166, MedGen C0342853, MONDO:0010028, OMIM 269921.
Thrombocytopenia. Identifiers: MedGen C0040034, MeSH D013921, MONDO:0002049, HP:0001873.

Allele frequency attached by ClinVar (database versions not stated): gnomAD exomes 0.00001.
gnomAD v4.1: 9 of 1,614,260 alleles (0.00056%); highest among the groups gnomAD compares: South Asian, 0.0099%; no homozygotes.

Submissions (4):

Labcorp Genetics (formerly Invitae), Labcorp
Classification: Uncertain significance for Sialuria; GNE myopathy. Last evaluated: 2022-02-03. Review status: criteria provided, single submitter. Criteria: Invitae Variant Classification Sherloc (09022015). Collection method: clinical testing. Allele origin: germline.
Comment: This sequence change replaces tyrosine, which is neutral and polar, with histidine, which is basic and polar, at codon 187 of the GNE protein (p.Tyr187His). This variant is present in population databases (rs794727505, gnomAD 0.006%). This missense change has been observed in individual(s) with clinical features of myopathy (PMID: 24796702, 28320138; Invitae). ClinVar contains an entry for this variant (Variation ID: 196410). Algorithms developed to predict the effect of missense changes on protein structure and function (SIFT, PolyPhen-2, Align-GVGD) all suggest that this variant is likely to be disruptive. In summary, the available evidence is currently insufficient to determine the role of this variant in disease. Therefore, it has been classified as a Variant of Uncertain Significance.

NIHR Bioresource Rare Diseases, University of Cambridge
Classification: Likely pathogenic for Thrombocytopenia. Last evaluated: 2019-02-01. Review status: criteria provided, single submitter. Criteria: ACMG Guidelines, 2015. Collection method: research. Allele origin: unknown. Affected: yes. Observed: 1 homozygote. Study: ThromboGenomics.

Eurofins Ntd Llc (ga)
Classification: Uncertain significance. Last evaluated: 2014-06-23. Review status: criteria provided, single submitter. Criteria: EGL Classification Definitions 2015. Collection method: clinical testing. Allele origin: germline. Observed: 1 variant allele, 1 heterozygote.

Counsyl
Classification: Uncertain significance for GNE myopathy. Last evaluated: 2017-05-19. Review status: no assertion criteria provided. Collection method: clinical testing. Allele origin: unknown. Not counted in ClinVar's aggregate classification.

Literature cited by the submitters: PubMed 24796702 (cited by Labcorp Genetics (formerly Invitae), Labcorp and Counsyl); PubMed 28320138 (cited by Labcorp Genetics (formerly Invitae), Labcorp); PubMed 31064749 (cited by NIHR Bioresource Rare Diseases, University of Cambridge); PubMed 26980148 (cited by Counsyl).

NM_005476.7(GNE):c.466T>C (p.Tyr156His)

Gene: GNE (glucosamine (UDP-N-acetyl)-2-epimerase/N-acetylmannosamine kinase; minus strand). Cytogenetic location: 9p13.3.
Variant type: single nucleotide variant.
Coding change: c.466T>C on transcript NM_005476.7 (MANE Select); coding-DNA position 466, T replaced by C.
Protein change: p.Tyr156His; replaces tyrosine 156 with histidine.
Molecular consequence: missense variant.
Genome position (GRCh38, 1-based): chr9:36,246,181, A>G on the plus strand (T>C on the coding strand, the complement: GNE is on the minus strand). VCF-style: chr9-36246181-A-G. GRCh37 (hg19) VCF-style: chr9-36246178-A-G.
Other names: c.559T>C, p.Tyr187His (NM_001128227.3); c.466T>C, p.Tyr156His (NM_001190383.3, NM_001374797.1); c.289T>C, p.Tyr97His (NM_001190384.3, NM_001190388.2, NM_001374798.1); short protein forms Y187H, Y156H, Y97H.
Identifiers: ClinVar variation 196410 (VCV000196410.10), dbSNP rs794727505, ClinGen allele CA243356.